The following is an entry in ClinVar:

NM_001174150.2(ARL13B):c.130+726G>A

Gene: ARL13B (ARF like GTPase 13B; plus strand). Cytogenetic location: 3q11.1.
Variant type: single nucleotide variant.
Coding change: c.130+726G>A on transcript NM_001174150.2 (MANE Select); 726 bases into the intron after coding-DNA position 130, G replaced by A.
Molecular consequence: intron variant. On other transcripts: missense variant (1).
Genome position (GRCh38, 1-based): chr3:93,996,670, G>A. VCF-style: chr3-93996670-G-A. GRCh37 (hg19) VCF-style: chr3-93715514-G-A.
Other names: c.71G>A, p.Arg24His (NM_001321328.2); c.130+726G>A (NM_182896.3, NM_001410782.1); c.-179-6989G>A (NM_001174151.2); c.59+16188G>A (NM_144996.4); short protein forms R24H.
Identifiers: ClinVar variation 3044634 (VCV003044634.3), dbSNP rs543349219, ClinGen allele CA2503785.

ClinVar aggregate classification (germline): Likely benign. Review status: criteria provided, single submitter (1 of 4 stars). 2 submissions from 2 submitters: Likely benign (1). 1 of the submissions does not count toward it. Last evaluated 2024-08-20.

Conditions:
ARL13B-related disorder. Also called: ARL13B-related condition.

Allele frequency attached by ClinVar (database versions not stated): ExAC 0.00037; 1000 Genomes Project 30x 0.00219; 1000 Genomes Project 0.00260.
gnomAD v4.1: 362 of 421,066 alleles (0.086%); highest among the groups gnomAD compares: African/African-American, 0.67%; 2 homozygotes.

Submissions (2):

Blueprint Genetics
Classification: Likely benign. Last evaluated: 2024-08-20. Review status: criteria provided, single submitter. Criteria: ACMG Guidelines, 2015. Collection method: clinical testing. Allele origin: germline.

PreventionGenetics, part of Exact Sciences
Classification: Benign for ARL13B-related condition. Last evaluated: 2019-05-30. Review status: no assertion criteria provided. Collection method: clinical testing. Allele origin: germline. Not counted in ClinVar's aggregate classification.
Comment: This variant is classified as benign based on ACMG/AMP sequence variant interpretation guidelines (Richards et al. 2015 PMID: 25741868, with internal and published modifications).